The following is an entry in ClinVar:

ClinVar aggregate classification (germline): Likely benign. Review status: criteria provided, multiple submitters, no conflicts (2 of 4 stars). 3 submissions from 3 submitters: Likely benign (3). Last evaluated 2025-06-17.

Conditions:
Hereditary cancer-predisposing syndrome. Also called: Hereditary neoplastic syndrome; Hereditary Cancer Syndrome; Neoplastic Syndromes, Hereditary; Tumor predisposition. Identifiers: Orphanet 140162, MedGen C0027672, MeSH D009386, MONDO:0015356.
Rhabdoid tumor predisposition syndrome 2 (RTPS2). Identifiers: Orphanet 231108, Orphanet 69077, MedGen C2750074, MONDO:0013224, OMIM 613325.

Allele frequency attached by ClinVar (database versions not stated): gnomAD exomes below 0.00001; ExAC 0.00001.
gnomAD v4.1: 2 of 1,613,964 alleles (0.00012%); no homozygotes.

Submissions (3):

Labcorp Genetics (formerly Invitae), Labcorp
Classification: Likely benign for Rhabdoid tumor predisposition syndrome 2. Last evaluated: 2025-06-17. Review status: criteria provided, single submitter. Criteria: Invitae Variant Classification Sherloc (09022015). Collection method: clinical testing. Allele origin: germline.

Ambry Genetics
Classification: Likely benign for Hereditary cancer-predisposing syndrome. Last evaluated: 2023-07-15. Review status: criteria provided, single submitter. Criteria: Ambry Variant Classification Scheme 2023. Collection method: clinical testing. Allele origin: germline.

GeneDx
Classification: Likely benign. Last evaluated: 2017-03-03. Review status: criteria provided, single submitter. Criteria: GeneDx Variant Classification (06012015). Collection method: clinical testing. Allele origin: germline. Affected: yes.
Comment: This variant is considered likely benign or benign based on one or more of the following criteria: it is a conservative change, it occurs at a poorly conserved position in the protein, it is predicted to be benign by multiple in silico algorithms, and/or has population frequency not consistent with disease.

NM_003072.5(SMARCA4):c.4536G>A (p.Glu1512=)

Gene: SMARCA4 (SWI/SNF related BAF chromatin remodeling complex subunit ATPase 4; plus strand). Cytogenetic location: 19p13.2.
Variant type: single nucleotide variant.
Coding change: c.4536G>A on transcript NM_003072.5 (MANE Select); coding-DNA position 4536, G replaced by A.
Protein change: p.Glu1512=; no amino-acid change (glutamic acid 1512 retained).
Molecular consequence: synonymous variant. On other transcripts: non-coding transcript variant (1).
Genome position (GRCh38, 1-based): chr19:11,058,790, G>A. VCF-style: chr19-11058790-G-A. GRCh37 (hg19) VCF-style: chr19-11169466-G-A.
Other names: c.4536G>A, p.Glu1512= (NM_001128844.3); c.4446G>A, p.Glu1482= (NM_001128845.2); c.4443G>A, p.Glu1481= (NM_001128846.2); c.4437G>A, p.Glu1479= (NM_001128847.4, NM_001374457.1); c.4434G>A, p.Glu1478= (NM_001128848.2); c.4632G>A, p.Glu1544= (NM_001128849.3, NM_001387283.1).
Identifiers: ClinVar variation 507839 (VCV000507839.10), dbSNP rs774583744, ClinGen allele CA9204796.